The following is an entry in ClinVar:

ClinVar aggregate classification (germline): Uncertain significance (1 of 4 stars; one submission).

Conditions:
Generalized epilepsy with febrile seizures plus, type 7 (GEFSP7). Also called: GEFS+, TYPE 7. Identifiers: Orphanet 36387, MedGen C2751778, MONDO:0013470, OMIM 613863.
Neuropathy, hereditary sensory and autonomic, type 2A (HSAN2A). Also called: ACROOSTEOLYSIS, NEUROGENIC; ACROOSTEOLYSIS, GIACCAI TYPE; MORVAN DISEASE; WNK1-Related HSAN2 (HSAN2A); NEUROPATHY, CONGENITAL SENSORY; NEUROPATHY, HEREDITARY SENSORY RADICULAR, AUTOSOMAL RECESSIVE. Identifiers: Orphanet 970, MedGen C2752089, MONDO:0024309, OMIM 201300.

gnomAD v4.1: 4 of 1,613,710 alleles (0.00025%); highest among the groups gnomAD compares: African/African-American, 0.0013%; no homozygotes.

Submission:

Labcorp Genetics (formerly Invitae), Labcorp
Classification: Uncertain significance for Neuropathy, hereditary sensory and autonomic, type 2A; Generalized epilepsy with febrile seizures plus, type 7. Last evaluated: 2025-03-10. Review status: criteria provided, single submitter. Criteria: Invitae Variant Classification Sherloc (09022015). Collection method: clinical testing. Allele origin: germline.
Comment: This sequence change replaces phenylalanine, which is neutral and non-polar, with leucine, which is neutral and non-polar, at codon 259 of the SCN9A protein (p.Phe259Leu). This variant is not present in population databases (gnomAD no frequency). This variant has not been reported in the literature in individuals affected with SCN9A-related conditions. ClinVar contains an entry for this variant (Variation ID: 1447984). Invitae Evidence Modeling of protein sequence and biophysical properties (such as structural, functional, and spatial information, amino acid conservation, physicochemical variation, residue mobility, and thermodynamic stability) has been performed for this missense variant. However, the output from this modeling did not meet the statistical confidence thresholds required to predict the impact of this variant on SCN9A protein function. In summary, the available evidence is currently insufficient to determine the role of this variant in disease. Therefore, it has been classified as a Variant of Uncertain Significance.

NM_001365536.1(SCN9A):c.775T>C (p.Phe259Leu)

Gene: SCN9A (sodium voltage-gated channel alpha subunit 9; minus strand). Cytogenetic location: 2q24.3.
Variant type: single nucleotide variant.
Coding change: c.775T>C on transcript NM_001365536.1 (MANE Select); coding-DNA position 775, T replaced by C.
Protein change: p.Phe259Leu; replaces phenylalanine 259 with leucine.
Molecular consequence: missense variant.
Genome position (GRCh38, 1-based): chr2:166,303,216, A>G on the plus strand (T>C on the coding strand, the complement: SCN9A is on the minus strand). VCF-style: chr2-166303216-A-G. GRCh37 (hg19) VCF-style: chr2-167159726-A-G.
Other names: c.775T>C, p.Phe259Leu (NM_002977.4); short protein forms F259L.
Identifiers: ClinVar variation 1447984 (VCV001447984.6), dbSNP rs2106522359, ClinGen allele CA349092893.